The following is an entry in ClinVar:

ClinVar aggregate classification (germline): Uncertain significance (1 of 4 stars; one submission).

Conditions:
Aicardi-Goutieres syndrome 6 (AGS6). Identifiers: Orphanet 51, MedGen C3539013, MONDO:0014007, OMIM 615010.
Symmetrical dyschromatosis of extremities (DSH). Also called: DYSCHROMATOSIS SYMMETRICA HEREDITARIA 1; RETICULATE ACROPIGMENTATION OF DOHI; SYMMETRIC DYSCHROMATOSIS OF THE EXTREMITIES; Dyschromatosis symmetrica hereditaria. Identifiers: Orphanet 41, MedGen C0406775, MONDO:0007483, OMIM 127400.

Allele frequency attached by ClinVar (database versions not stated): TOPMed below 0.00001.
gnomAD v4.1: 1 of 1,614,202 alleles (0.000062%); highest among the groups gnomAD compares: Non-Finnish European, 0.000085%; no homozygotes.

Submission:

Labcorp Genetics (formerly Invitae), Labcorp
Classification: Uncertain significance for Aicardi-Goutieres syndrome 6; Symmetrical dyschromatosis of extremities. Last evaluated: 2023-11-27. Review status: criteria provided, single submitter. Criteria: Invitae Variant Classification Sherloc (09022015). Collection method: clinical testing. Allele origin: germline.
Comment: This sequence change replaces proline, which is neutral and non-polar, with leucine, which is neutral and non-polar, at codon 492 of the ADAR protein (p.Pro492Leu). This variant is not present in population databases (gnomAD no frequency). This variant has not been reported in the literature in individuals affected with ADAR-related conditions. ClinVar contains an entry for this variant (Variation ID: 1025797). Advanced modeling of protein sequence and biophysical properties (such as structural, functional, and spatial information, amino acid conservation, physicochemical variation, residue mobility, and thermodynamic stability) performed at Invitae indicates that this missense variant is not expected to disrupt ADAR protein function with a negative predictive value of 80%. In summary, the available evidence is currently insufficient to determine the role of this variant in disease. Therefore, it has been classified as a Variant of Uncertain Significance.

NM_001111.5(ADAR):c.1475C>T (p.Pro492Leu)

Gene: ADAR (adenosine deaminase RNA specific; minus strand). Cytogenetic location: 1q21.3.
Variant type: single nucleotide variant.
Coding change: c.1475C>T on transcript NM_001111.5 (MANE Select); coding-DNA position 1475, C replaced by T.
Protein change: p.Pro492Leu; replaces proline 492 with leucine.
Molecular consequence: missense variant.
Genome position (GRCh38, 1-based): chr1:154,601,167, G>A on the plus strand (C>T on the coding strand, the complement: ADAR is on the minus strand). VCF-style: chr1-154601167-G-A. GRCh37 (hg19) VCF-style: chr1-154573643-G-A.
Other names: c.590C>T, p.Pro197Leu (NM_001025107.3, NM_001193495.2, NM_001365046.1 and 3 more transcripts); c.1502C>T, p.Pro501Leu (NM_001365045.1); c.1475C>T, p.Pro492Leu (NM_015840.4, NM_015841.4); short protein forms P197L, P492L, P501L.
Identifiers: ClinVar variation 1025797 (VCV001025797.8), dbSNP rs1697847597, ClinGen allele CA342596199.